The following is an entry in ClinVar:

ClinVar aggregate classification (germline): Pathogenic (1 of 4 stars; one submission).

Submission:

Labcorp Genetics (formerly Invitae), Labcorp
Classification: Pathogenic. Last evaluated: 2022-05-12. Review status: criteria provided, single submitter. Criteria: Invitae Variant Classification Sherloc (09022015). Collection method: clinical testing. Allele origin: germline.
Comment: This variant is a gross deletion of the genomic region encompassing exon(s) 1-8 of the ATP2A2 gene, which includes the initiator codon. This deletion extends beyond the assayed region for this gene and therefore may encompass additional genes. It is expected to result in an absent or disrupted protein product. Loss-of-function variants in ATP2A2 are known to be pathogenic (PMID: 10080178, 10441324). This variant has not been reported in the literature in individuals affected with ATP2A2-related conditions. For these reasons, this variant has been classified as Pathogenic.

Literature cited by the submitters: PubMed 10080178; PubMed 10441324.

NC_000012.11:g.(?_110646956)_(110765842_?)del

Genes: ATP2A2 (ATPase sarcoplasmic/endoplasmic reticulum Ca2+ transporting 2; plus strand), IFT81 (intraflagellar transport 81; plus strand). Cytogenetic location: 12q24.11.
Variant type: Deletion.
Identifiers: ClinVar variation 2424213 (VCV002424213.5).